The following is an entry in ClinVar:

NM_173648.4(CCDC141):c.319G>A (p.Glu107Lys)

Gene: CCDC141 (coiled-coil domain containing 141; minus strand). Cytogenetic location: 2q31.2.
Variant type: single nucleotide variant.
Coding change: c.319G>A on transcript NM_173648.4 (MANE Select); coding-DNA position 319, G replaced by A.
Protein change: p.Glu107Lys; replaces glutamic acid 107 with lysine.
Molecular consequence: missense variant.
Genome position (GRCh38, 1-based): chr2:178,978,582, C>T on the plus strand (G>A on the coding strand, the complement: CCDC141 is on the minus strand). VCF-style: chr2-178978582-C-T. GRCh37 (hg19) VCF-style: chr2-179843309-C-T.
Other names: c.319G>A, p.Glu107Lys (NM_001316745.2); short protein forms E107K.
Identifiers: ClinVar variation 3704191 (VCV003704191.2).

ClinVar aggregate classification (germline): Uncertain significance (1 of 4 stars; one submission).

gnomAD v4.1: 63 of 1,550,062 alleles (0.0041%); highest among the groups gnomAD compares: East Asian, 0.11%; no homozygotes.

Submission:

Labcorp Genetics (formerly Invitae), Labcorp
Classification: Uncertain significance. Last evaluated: 2024-09-20. Review status: criteria provided, single submitter. Criteria: Invitae Variant Classification Sherloc (09022015). Collection method: clinical testing. Allele origin: germline.
Comment: This sequence change replaces glutamic acid, which is acidic and polar, with lysine, which is basic and polar, at codon 107 of the CCDC141 protein (p.Glu107Lys). This variant is present in population databases (rs201263348, gnomAD 0.2%), and has an allele count higher than expected for a pathogenic variant. This variant has not been reported in the literature in individuals affected with CCDC141-related conditions. An algorithm developed to predict the effect of missense changes on protein structure and function outputs the following: PolyPhen-2: "Benign". The lysine amino acid residue is found in multiple mammalian species, which suggests that this missense change does not adversely affect protein function. In summary, the available evidence is currently insufficient to determine the role of this variant in disease. Therefore, it has been classified as a Variant of Uncertain Significance.